The following is an entry in ClinVar:

NM_001267550.2(TTN):c.107728G>A (p.Glu35910Lys)

Genes: TTN (titin; minus strand), TTN-AS1 (TTN antisense RNA 1; plus strand). Cytogenetic location: 2q31.2.
Variant type: single nucleotide variant.
Coding change: c.107728G>A on transcript NM_001267550.2 (MANE Select); coding-DNA position 107728, G replaced by A.
Protein change: p.Glu35910Lys; replaces glutamic acid 35910 with lysine.
Molecular consequence: missense variant.
Genome position (GRCh38, 1-based): chr2:178,527,260, C>T on the plus strand (G>A on the coding strand, the complement: TTN is on the minus strand). VCF-style: chr2-178527260-C-T. GRCh37 (hg19) VCF-style: chr2-179391987-C-T.
Other names: c.102805G>A, p.Glu34269Lys (NM_001256850.1); c.80533G>A, p.Glu26845Lys (NM_003319.4); c.100024G>A, p.Glu33342Lys (NM_133378.4); c.80908G>A, p.Glu26970Lys (NM_133432.3); c.81109G>A, p.Glu27037Lys (NM_133437.4); short protein forms E33342K, E35910K, E26970K, E26845K, E27037K, E34269K.
Identifiers: ClinVar variation 212459 (VCV000212459.9), dbSNP rs370649675, ClinGen allele CA207833.

ClinVar aggregate classification (germline): Uncertain significance. Review status: criteria provided, multiple submitters, no conflicts (2 of 4 stars). 4 submissions from 4 submitters: Uncertain significance (4). Last evaluated 2026-09-01.

Conditions:
TTN-related disorder. Also called: TTN-related condition; TTN-related disease; TTN-related disorders.
Early-onset myopathy with fatal cardiomyopathy (CMYO5). Also called: Salih Myopathy; CONGENITAL MYOPATHY 5 WITH CARDIOMYOPATHY. Identifiers: Orphanet 289377, MedGen C2673677, MONDO:0012714, OMIM 611705. Disease mechanism: loss of function.
Dilated cardiomyopathy 1G (CMD1G). Identifiers: Orphanet 154, MedGen C1858763, MONDO:0011400, OMIM 604145.
Autosomal recessive limb-girdle muscular dystrophy type 2J (LGMDR10). Also called: Limb-girdle muscular dystrophy, type 2J; MUSCULAR DYSTROPHY, LIMB-GIRDLE, AUTOSOMAL RECESSIVE 10. Identifiers: Orphanet 140922, MedGen C1837342, MONDO:0012127, OMIM 608807.
Tibial muscular dystrophy (TMD). Also called: Tibial muscular dystrophy, tardive; Udd Distal Myopathy – Tibial Muscular Dystrophy; UDD MYOPATHY. Identifiers: Orphanet 609, MedGen C1838244, MONDO:0010870, OMIM 600334.
Myopathy, myofibrillar, 9, with early respiratory failure (MFM9). Also called: Myopathy, distal, with early respiratory failure, autosomal dominant; MYOPATHY, PROXIMAL, WITH EARLY RESPIRATORY MUSCLE INVOLVEMENT; Hereditary myopathy with early respiratory failure; EDSTROM MYOPATHY. Identifiers: Orphanet 178464, Orphanet 34521, MedGen C1863599, MONDO:0011362, OMIM 603689.
Hypertrophic cardiomyopathy 9. Also called: Familial hypertrophic cardiomyopathy 9. Identifiers: MedGen C1861065, MONDO:0013412, OMIM 613765.

Allele frequency attached by ClinVar (database versions not stated): gnomAD exomes below 0.00001 and 0.00001; ExAC 0.00003; gnomAD 0.00004; TOPMed 0.00008; ESP Exome Variant Server 0.00017; 1000 Genomes Project 0.00020; 1000 Genomes Project 30x 0.00031.
gnomAD v4.1: 11 of 1,611,500 alleles (0.00068%); highest among the groups gnomAD compares: African/African-American, 0.0093%; no homozygotes.

Submissions (4):

PreventionGenetics, part of Exact Sciences
Classification: Uncertain significance for TTN-related condition. Last evaluated: 2026-09-01. Review status: criteria provided, single submitter. Criteria: ACMG Guidelines, 2015. Collection method: clinical testing. Allele origin: germline.
Comment: The TTN c.107728G>A variant is predicted to result in the amino acid substitution p.Glu35910Lys. To our knowledge, this variant has not been reported in the literature. This variant is reported in 0.013% of alleles in individuals of African descent in gnomAD. At this time, the clinical significance of this variant is uncertain due to the absence of conclusive functional and genetic evidence.

Women's Health and Genetics/Laboratory Corporation of America, LabCorp
Classification: Uncertain significance. Last evaluated: 2025-11-24. Review status: criteria provided, single submitter. Criteria: LabCorp Variant Classification Summary - May 2015. Collection method: clinical testing. Allele origin: germline.

Fulgent Genetics
Classification: Uncertain significance for Tibial muscular dystrophy; Myopathy, myofibrillar, 9, with early respiratory failure; Dilated cardiomyopathy 1G; Autosomal recessive limb-girdle muscular dystrophy type 2J; Early-onset myopathy with fatal cardiomyopathy; Hypertrophic cardiomyopathy 9. Last evaluated: 2021-10-13. Review status: criteria provided, single submitter. Criteria: ACMG Guidelines, 2015. Collection method: clinical testing. Allele origin: unknown.

Genetic Services Laboratory, University of Chicago
Classification: Uncertain significance. Last evaluated: 2015-05-28. Review status: criteria provided, single submitter. Criteria: ACMG Guidelines, 2015. Collection method: clinical testing. Allele origin: germline.